The following is an entry in ClinVar:

ClinVar aggregate classification (germline): Uncertain significance. Review status: criteria provided, multiple submitters, no conflicts (2 of 4 stars). 2 submissions from 2 submitters: Uncertain significance (2). Last evaluated 2024-09-08.

Allele frequency attached by ClinVar (database versions not stated): gnomAD 0.00001; TOPMed 0.00001; ExAC 0.00002; gnomAD exomes 0.00003.
gnomAD v4.1: 43 of 1,611,536 alleles (0.0027%); highest among the groups gnomAD compares: East Asian, 0.036%; 1 homozygote.

Submissions (2):

Ambry Genetics
Classification: Uncertain significance. Last evaluated: 2024-09-08. Review status: criteria provided, single submitter. Criteria: Ambry Variant Classification Scheme 2023. Collection method: clinical testing. Allele origin: germline.

Labcorp Genetics (formerly Invitae), Labcorp
Classification: Uncertain significance. Last evaluated: 2022-08-20. Review status: criteria provided, single submitter. Criteria: Invitae Variant Classification Sherloc (09022015). Collection method: clinical testing. Allele origin: germline.
Comment: In summary, the available evidence is currently insufficient to determine the role of this variant in disease. Therefore, it has been classified as a Variant of Uncertain Significance. Algorithms developed to predict the effect of missense changes on protein structure and function are either unavailable or do not agree on the potential impact of this missense change (SIFT: "Tolerated"; PolyPhen-2: "Possibly Damaging"; Align-GVGD: "Class C0"). This variant has not been reported in the literature in individuals affected with LAT-related conditions. This variant is present in population databases (rs753643173, gnomAD 0.01%). This sequence change replaces glycine, which is neutral and non-polar, with arginine, which is basic and polar, at codon 178 of the LAT protein (p.Gly178Arg).

NM_001014987.2(LAT):c.532G>A (p.Gly178Arg)

Gene: LAT (linker for activation of T cells; plus strand). Cytogenetic location: 16p11.2.
Variant type: single nucleotide variant.
Coding change: c.532G>A on transcript NM_001014987.2 (MANE Select); coding-DNA position 532, G replaced by A.
Protein change: p.Gly178Arg; replaces glycine 178 with arginine.
Molecular consequence: missense variant.
Genome position (GRCh38, 1-based): chr16:28,989,565, G>A. VCF-style: chr16-28989565-G-A. GRCh37 (hg19) VCF-style: chr16-29000886-G-A.
Other names: c.529G>A, p.Gly177Arg (NM_001014988.2); c.640G>A, p.Gly214Arg (NM_001014989.2); c.619G>A, p.Gly207Arg (NM_014387.4); c.640G>A (NM_001014989.1); short protein forms G178R, G177R, G207R, G214R.
Identifiers: ClinVar variation 2064932 (VCV002064932.3), dbSNP rs753643173, ClinGen allele CA7990058.